The following is an entry in ClinVar:

ClinVar aggregate classification (germline): Uncertain significance. Review status: criteria provided, multiple submitters, no conflicts (2 of 4 stars). 3 submissions from 3 submitters: Uncertain significance (3). Last evaluated 2024-09-09.

Conditions:
Hereditary cancer-predisposing syndrome. Also called: Hereditary Cancer Syndrome; Neoplastic Syndromes, Hereditary; Tumor predisposition; Hereditary neoplastic syndrome. Identifiers: Orphanet 140162, MedGen C0027672, MeSH D009386, MONDO:0015356.

Allele frequency attached by ClinVar (database versions not stated): gnomAD exomes below 0.00001; ExAC 0.00001.
gnomAD v4.1: 1 of 1,601,018 alleles (0.000062%); highest among the groups gnomAD compares: Middle Eastern, 0.017%; no homozygotes.

Submissions (3):

Blueprint Genetics
Classification: Uncertain significance. Last evaluated: 2024-09-09. Review status: criteria provided, single submitter. Criteria: ACMG Guidelines, 2015. Collection method: clinical testing. Allele origin: germline.

Labcorp Genetics (formerly Invitae), Labcorp
Classification: Uncertain significance for Hereditary cancer-predisposing syndrome. Last evaluated: 2023-09-21. Review status: criteria provided, single submitter. Criteria: Invitae Variant Classification Sherloc (09022015). Collection method: clinical testing. Allele origin: germline.
Comment: This variant has not been reported in the literature in individuals affected with RAD50-related conditions. This variant is present in population databases (rs764002127, gnomAD no frequency). This sequence change replaces isoleucine, which is neutral and non-polar, with methionine, which is neutral and non-polar, at codon 82 of the RAD50 protein (p.Ile82Met). ClinVar contains an entry for this variant (Variation ID: 2451430). In summary, the available evidence is currently insufficient to determine the role of this variant in disease. Therefore, it has been classified as a Variant of Uncertain Significance. Advanced modeling of protein sequence and biophysical properties (such as structural, functional, and spatial information, amino acid conservation, physicochemical variation, residue mobility, and thermodynamic stability) performed at Invitae indicates that this missense variant is expected to disrupt RAD50 protein function.

Ambry Genetics
Classification: Uncertain significance for Hereditary cancer-predisposing syndrome. Last evaluated: 2023-02-20. Review status: criteria provided, single submitter. Criteria: Ambry Variant Classification Scheme 2023. Collection method: clinical testing. Allele origin: germline.
Comment: The p.I82M variant (also known as c.246T>G), located in coding exon 3 of the RAD50 gene, results from a T to G substitution at nucleotide position 246. The isoleucine at codon 82 is replaced by methionine, an amino acid with highly similar properties. This amino acid position is conserved. In addition, the in silico prediction for this alteration is inconclusive. Since supporting evidence is limited at this time, the clinical significance of this alteration remains unclear.

NM_005732.4(RAD50):c.246T>G (p.Ile82Met)

Gene: RAD50 (RAD50 double strand break repair protein; plus strand). Cytogenetic location: 5q31.1.
Variant type: single nucleotide variant.
Coding change: c.246T>G on transcript NM_005732.4 (MANE Select); coding-DNA position 246, T replaced by G.
Protein change: p.Ile82Met; replaces isoleucine 82 with methionine.
Molecular consequence: missense variant.
Genome position (GRCh38, 1-based): chr5:132,575,809, T>G. VCF-style: chr5-132575809-T-G. GRCh37 (hg19) VCF-style: chr5-131911501-T-G.
Other names: short protein forms I82M.
Identifiers: ClinVar variation 2451430 (VCV002451430.6), dbSNP rs764002127, ClinGen allele CA3404944.